The following is an entry in ClinVar:

NM_001759.4(CCND2):c.100G>C (p.Glu34Gln)

Genes: CCND2 (cyclin D2; plus strand), CCND2-AS1 (CCND2 antisense RNA 1; minus strand). Cytogenetic location: 12p13.32.
Variant type: single nucleotide variant.
Coding change: c.100G>C on transcript NM_001759.4 (MANE Select); coding-DNA position 100, G replaced by C.
Protein change: p.Glu34Gln; replaces glutamic acid 34 with glutamine.
Molecular consequence: missense variant.
Genome position (GRCh38, 1-based): chr12:4,274,140, G>C. VCF-style: chr12-4274140-G-C. GRCh37 (hg19) VCF-style: chr12-4383306-G-C.
Other names: short protein forms E34Q.
Identifiers: ClinVar variation 1806540 (VCV001806540.1), dbSNP rs2120513661, ClinGen allele CA383661631.
Genomic context (GRCh38, chr12:4,274,140, plus strand): 5'-GCCGTGCGGGACCGCAACCTGCTCCGAGACGACCGCGTCCTGCAGAACCTGCTCACCATC[G>C]AGGAGCGCTACCTTCCGCAGTGCTCCTACTTCAAGTGCGTGCAGAAGGACATCCAACCCT-3'
Protein context (NP_001750.1, residues 24-44): DRVLQNLLTI[Glu34Gln]ERYLPQCSYF

ClinVar aggregate classification (germline): Uncertain significance (1 of 4 stars; one submission).

Submission:

GeneDx
Classification: Uncertain significance. Last evaluated: 2022-06-24. Review status: criteria provided, single submitter. Criteria: GeneDx Variant Classification Process June 2021. Collection method: clinical testing. Allele origin: germline. Affected: yes.
Comment: Not observed at significant frequency in large population cohorts (gnomAD); In silico analysis supports that this missense variant does not alter protein structure/function; Has not been previously published as pathogenic or benign to our knowledge